The following is an entry in ClinVar:

NM_001033855.3(DCLRE1C):c.2042C>T (p.Ala681Val)

Gene: DCLRE1C (DNA cross-link repair 1C; minus strand). Cytogenetic location: 10p13.
Variant type: single nucleotide variant.
Coding change: c.2042C>T on transcript NM_001033855.3 (MANE Select); coding-DNA position 2042, C replaced by T.
Protein change: p.Ala681Val; replaces alanine 681 with valine.
Molecular consequence: missense variant. On other transcripts: intron variant (3), non-coding transcript variant (3).
Genome position (GRCh38, 1-based): chr10:14,908,445, G>A on the plus strand (C>T on the coding strand, the complement: DCLRE1C is on the minus strand). VCF-style: chr10-14908445-G-A. GRCh37 (hg19) VCF-style: chr10-14950444-G-A.
Other names: c.1422+260C>T (NM_001350967.2); c.1437+260C>T (NM_001350966.2); c.1782+260C>T (NM_001350965.2); c.1682C>T, p.Ala561Val (NM_001033857.3, NM_001033858.3, NM_001289077.2 and 1 more transcripts); c.1697C>T, p.Ala566Val (NM_001289076.2, NM_001289078.2, NM_022487.4); short protein forms A561V, A566V, A681V.
Identifiers: ClinVar variation 1046481 (VCV001046481.10), dbSNP rs1834673766, ClinGen allele CA376073938.

ClinVar aggregate classification (germline): Uncertain significance (1 of 4 stars; one submission).

Conditions:
Severe combined immunodeficiency due to DCLRE1C deficiency (RS-SCID). Also called: SCID, AUTOSOMAL RECESSIVE, T CELL-NEGATIVE, B CELL-NEGATIVE, NK CELL-POSITIVE, WITH SENSITIVITY TO IONIZING RADIATION. Identifiers: Orphanet 275, MedGen C1865371, MONDO:0011225, OMIM 602450.

Submission:

Labcorp Genetics (formerly Invitae), Labcorp
Classification: Uncertain significance for Athabaskan severe combined immunodeficiency. Last evaluated: 2022-03-03. Review status: criteria provided, single submitter. Criteria: Invitae Variant Classification Sherloc (09022015). Collection method: clinical testing. Allele origin: germline.
Comment: This sequence change replaces alanine, which is neutral and non-polar, with valine, which is neutral and non-polar, at codon 681 of the DCLRE1C protein (p.Ala681Val). In summary, the available evidence is currently insufficient to determine the role of this variant in disease. Therefore, it has been classified as a Variant of Uncertain Significance. Algorithms developed to predict the effect of missense changes on protein structure and function output the following: SIFT: "Tolerated"; PolyPhen-2: "Benign"; Align-GVGD: "Class C0". The valine amino acid residue is found in multiple mammalian species, which suggests that this missense change does not adversely affect protein function. ClinVar contains an entry for this variant (Variation ID: 1046481). This variant has not been reported in the literature in individuals affected with DCLRE1C-related conditions. This variant is not present in population databases (gnomAD no frequency).